The following is an entry in ClinVar:

ClinVar aggregate classification (germline): Uncertain significance. Review status: criteria provided, multiple submitters, no conflicts (2 of 4 stars). 2 submissions from 2 submitters: Uncertain significance (2). Last evaluated 2025-08-19.

Conditions:
TTN-related disorder. Also called: TTN-related disorders; TTN-related condition; TTN-related disease.

Allele frequency attached by ClinVar (database versions not stated): gnomAD exomes below 0.00001 and 0.00001.
gnomAD v4.1: 10 of 1,613,576 alleles (0.00062%); highest among the groups gnomAD compares: Middle Eastern, 0.017%; no homozygotes.

Submissions (2):

PreventionGenetics, part of Exact Sciences
Classification: Uncertain significance for TTN-related condition. Last evaluated: 2025-08-19. Review status: criteria provided, single submitter. Criteria: ACMG Guidelines, 2015. Collection method: clinical testing. Allele origin: germline.
Comment: The TTN c.20996A>G variant is predicted to result in the amino acid substitution p.Tyr6999Cys. To our knowledge, this variant has not been reported in the literature. This variant is reported in 0.00089% of alleles in individuals of European (Non-Finnish) descent in gnomAD. At this time, the clinical significance of this variant is uncertain due to the absence of conclusive functional and genetic evidence.

GeneDx
Classification: Uncertain significance. Last evaluated: 2022-07-13. Review status: criteria provided, single submitter. Criteria: GeneDx Variant Classification Process June 2021. Collection method: clinical testing. Allele origin: germline. Affected: yes.
Comment: Not observed at significant frequency in large population cohorts (gnomAD); Missense variant in a gene in which most reported pathogenic variants are truncating/loss of function; Has not been previously published as pathogenic or benign to our knowledge; This variant is associated with the following publications: (PMID: 23975875)

NM_001267550.2(TTN):c.20996A>G (p.Tyr6999Cys)

Genes: TTN (titin; minus strand), LOC126806428 (BRD4-independent group 4 enhancer GRCh37_chr2:179588362-179589561; plus strand). Cytogenetic location: 2q31.2.
Variant type: single nucleotide variant.
Coding change: c.20996A>G on transcript NM_001267550.2 (MANE Select); coding-DNA position 20996, A replaced by G.
Protein change: p.Tyr6999Cys; replaces tyrosine 6999 with cysteine.
Molecular consequence: missense variant. On other transcripts: intron variant (3).
Genome position (GRCh38, 1-based): chr2:178,724,379, T>C on the plus strand (A>G on the coding strand, the complement: TTN is on the minus strand). VCF-style: chr2-178724379-T-C. GRCh37 (hg19) VCF-style: chr2-179589106-T-C.
Other names: c.20045A>G, p.Tyr6682Cys (NM_001256850.1); c.17264A>G, p.Tyr5755Cys (NM_133378.4); c.13282+13703A>G (NM_003319.4); c.13858+13703A>G (NM_133437.4); c.13657+13703A>G (NM_133432.3); short protein forms Y5755C, Y6682C, Y6999C.
Identifiers: ClinVar variation 1700268 (VCV001700268.3), dbSNP rs1343770232, ClinGen allele CA349539109.